The following is an entry in ClinVar:

NM_001379180.1(ESRRB):c.1224G>A (p.Trp408Ter)

Gene: ESRRB (estrogen related receptor beta; plus strand). Cytogenetic location: 14q24.3.
Variant type: single nucleotide variant.
Coding change: c.1224G>A on transcript NM_001379180.1 (MANE Select); coding-DNA position 1224, G replaced by A.
Protein change: p.Trp408Ter; replaces tryptophan 408 with a stop codon.
Molecular consequence: nonsense.
Genome position (GRCh38, 1-based): chr14:76,498,317, G>A. VCF-style: chr14-76498317-G-A. GRCh37 (hg19) VCF-style: chr14-76964660-G-A.
Other names: c.1161G>A, p.Trp387Ter (NM_004452.4); short protein forms W387*, W408*.
Identifiers: ClinVar variation 163423 (VCV000163423.4), dbSNP rs727503041, ClinGen allele CA273150.
Genomic context (GRCh38, chr14:76,498,317, plus strand): 5'-GGACCTGCTGCACGAGGCACTGCAGGACTACGAGCTGAGCCAGCGCCATGAGGAGCCCTG[G>A]AGGACGGGCAAGCTGCTGCTGACACTGCCGCTGCTGCGGCAGACGGCCGCCAAGGCCGTG-3'

ClinVar aggregate classification (germline): Likely pathogenic (1 of 4 stars; one submission).

Conditions:
Rare genetic deafness. Identifiers: Orphanet 96210, MedGen C5680250.

Submission:

Laboratory for Molecular Medicine, Mass General Brigham Personalized Medicine
Classification: Likely pathogenic for Rare genetic deafness. Last evaluated: 2013-06-02. Review status: criteria provided, single submitter. Criteria: LMM Criteria. Collection method: clinical testing. Allele origin: germline. Observed: 1 variant allele.
Comment: The Trp387X variant in ESRRB has not been reported in individuals with hearing l oss. This nonsense variant leads to a premature termination codon at position 38 7, which is predicted to lead to a truncated or absent protein. To date, only on e truncating variant in ESRRB has been reported as disease causing in a hearing loss family (Collin 2008). Therefore, although truncating variants are suggested to be pathogenic, additional data is needed to confirm this. In summary, this v ariant is likely pathogenic, though additional studies are required to fully est ablish its clinical significance.

Literature cited by the submitters: PubMed 18179891.